The following is an entry in ClinVar:

NM_000059.4(BRCA2):c.6324dup (p.Val2109fs)

Gene: BRCA2 (BRCA2 DNA repair associated; plus strand). Cytogenetic location: 13q13.1.
Variant type: Duplication.
Coding change: c.6324dup on transcript NM_000059.4 (MANE Select); coding-DNA position 6324, one base duplicated (T; older notation c.6324dupT).
Protein change: p.Val2109fs; shifts the reading frame from valine 2109.
Molecular consequence: frameshift variant. On other transcripts: non-coding transcript variant (1), intron variant (2).
Genome position (GRCh38, 1-based): chr13:32,340,679, T duplicated. VCF-style (leftmost placement, unchanged base first): chr13-32340678-G-GT. GRCh37 (hg19) VCF-style: chr13-32914815-G-GT.
Other names: c.6324dup, p.Val2109fs (NM_001406719.1, NM_001406720.1, NM_001432077.1); c.1910-3879dup (NM_001406721.1); c.425-3879dup (NM_001406722.1); short protein forms V2109fs.
Identifiers: ClinVar variation 4532830 (VCV004532830.1).

ClinVar aggregate classification (germline): Likely pathogenic (1 of 4 stars; one submission).

Submission:

Quest Diagnostics Nichols Institute San Juan Capistrano
Classification: Likely pathogenic. Last evaluated: 2025-06-06. Review status: criteria provided, single submitter. Criteria: Quest Diagnostics criteria. Collection method: clinical testing. Allele origin: unknown.
Comment: The BRCA2 c.6324dup (p.Val2109Cysfs*2) variant alters the translational reading frame of the BRCA2 mRNA and is predicted to cause the premature termination of BRCA2 protein synthesis. This variant has not been reported in individuals with BRCA2-related conditions in the published literature. This variant has not been reported in large, multi-ethnic general populations (Genome Aggregation Database). Based on the available information, this variant is classified as likely pathogenic.